The following is an entry in ClinVar:

NM_002691.4(POLD1):c.1486G>T (p.Asp496Tyr)

Gene: POLD1 (DNA polymerase delta 1, catalytic subunit; plus strand). Cytogenetic location: 19q13.33.
Variant type: single nucleotide variant.
Coding change: c.1486G>T on transcript NM_002691.4 (MANE Select); coding-DNA position 1486, G replaced by T.
Protein change: p.Asp496Tyr; replaces aspartic acid 496 with tyrosine.
Molecular consequence: missense variant. On other transcripts: non-coding transcript variant (1).
Genome position (GRCh38, 1-based): chr19:50,406,509, G>T. VCF-style: chr19-50406509-G-T. GRCh37 (hg19) VCF-style: chr19-50909766-G-T.
Other names: c.1486G>T, p.Asp496Tyr (NM_001256849.1, NM_001308632.1); short protein forms D496Y.
Identifiers: ClinVar variation 2769711 (VCV002769711.3), dbSNP rs777809352, ClinGen allele CA406980314.

ClinVar aggregate classification (germline): Uncertain significance (1 of 4 stars; one submission).

Conditions:
POLD1-related polyposis and colorectal cancer syndrome (CRCS10). Also called: Colorectal cancer 10; Colorectal cancer, susceptibility to, 10; COLORECTAL CANCER, SUSCEPTIBILITY TO, ON CHROMOSOME 19q. Identifiers: Orphanet 220460, MedGen C2675481, MONDO:0012953, OMIM 612591.

Submission:

Labcorp Genetics (formerly Invitae), Labcorp
Classification: Uncertain significance for POLD1-related polyposis and colorectal cancer syndrome. Last evaluated: 2023-10-18. Review status: criteria provided, single submitter. Criteria: Invitae Variant Classification Sherloc (09022015). Collection method: clinical testing. Allele origin: germline.
Comment: This sequence change replaces aspartic acid, which is acidic and polar, with tyrosine, which is neutral and polar, at codon 496 of the POLD1 protein (p.Asp496Tyr). This variant is not present in population databases (gnomAD no frequency). This variant has not been reported in the literature in individuals affected with POLD1-related conditions. Advanced modeling of protein sequence and biophysical properties (such as structural, functional, and spatial information, amino acid conservation, physicochemical variation, residue mobility, and thermodynamic stability) performed at Invitae indicates that this missense variant is expected to disrupt POLD1 protein function. In summary, the available evidence is currently insufficient to determine the role of this variant in disease. Therefore, it has been classified as a Variant of Uncertain Significance.